The following is an entry in ClinVar:

NM_007327.4(GRIN1):c.259-203G>A

Gene: GRIN1 (glutamate ionotropic receptor NMDA type subunit 1; plus strand). Cytogenetic location: 9q34.3.
Variant type: single nucleotide variant.
Coding change: c.259-203G>A on transcript NM_007327.4 (MANE Select); 203 bases into the intron before coding-DNA position 259, G replaced by A.
Molecular consequence: intron variant.
Genome position (GRCh38, 1-based): chr9:137,141,810, G>A. VCF-style: chr9-137141810-G-A. GRCh37 (hg19) VCF-style: chr9-140036262-G-A.
Other names: c.259-203G>A (NM_001185090.2, NM_001185091.2, NM_021569.4 and 1 more transcripts).
Identifiers: ClinVar variation 677318 (VCV000677318.1), dbSNP rs78889075, ClinGen allele CA13060856.

ClinVar aggregate classification (germline): Likely benign (1 of 4 stars; one submission).

Allele frequency attached by ClinVar (database versions not stated): 1000 Genomes Project 0.02117; 1000 Genomes Project 30x 0.02358; gnomAD 0.03294 and 0.03332; TOPMed 0.03463.
gnomAD v4.1: 5,046 of 152,284 alleles (3.3%); highest among the groups gnomAD compares: Admixed American, 7.1%; 151 homozygotes.

Submission:

GeneDx
Classification: Likely benign. Last evaluated: 2018-06-19. Review status: criteria provided, single submitter. Criteria: GeneDx Variant Classification (06012015). Collection method: clinical testing. Allele origin: germline. Affected: yes.
Comment: This variant is considered likely benign or benign based on one or more of the following criteria: it is a conservative change, it occurs at a poorly conserved position in the protein, it is predicted to be benign by multiple in silico algorithms, and/or has population frequency not consistent with disease.